The following is an entry in ClinVar:

NM_005144.5(HR):c.-615T>G

Genes: HRURF (HR upstream open reading frame; minus strand), HR (HR lysine demethylase and nuclear receptor corepressor; minus strand). Cytogenetic location: 8p21.3.
Variant type: single nucleotide variant.
Coding change: c.-615T>G on transcript NM_005144.5 (MANE Select); 615 bases upstream of the start codon, T replaced by G.
Molecular consequence: 5 prime UTR variant.
Genome position (GRCh38, 1-based): chr8:22,131,002, A>C on the plus strand (T>G on the coding strand, the complement: HR is on the minus strand). VCF-style: chr8-22131002-A-C. GRCh37 (hg19) VCF-style: chr8-21988515-A-C.
Other names: c.-294T>G (NM_001394132.1); c.-615T>G (NM_018411.4).
Identifiers: ClinVar variation 362542 (VCV000362542.6), dbSNP rs6557841, ClinGen allele CA10627469.

ClinVar aggregate classification (germline): Benign. Review status: criteria provided, multiple submitters, no conflicts (2 of 4 stars). 3 submissions from 2 submitters: Benign (3). Last evaluated 2018-01-13.

Conditions:
Alopecia universalis congenita (ALUNC). Also called: ATRICHIA, GENERALIZED. Identifiers: Orphanet 701, MedGen C1859877, MONDO:0008757, OMIM 203655.
Atrichia with papular lesions (APL). Also called: PAPULAR ATRICHIA. Identifiers: Orphanet 86819, MedGen C1859592, MONDO:0008847, OMIM 209500.

Allele frequency attached by ClinVar (database versions not stated): gnomAD exomes 0.58140; 1000 Genomes Project 0.60823; 1000 Genomes Project 30x 0.61102; TOPMed 0.64282; gnomAD 0.64753 and 0.65210.
gnomAD v4.1: 98,439 of 152,186 alleles (65%); highest among the groups gnomAD compares: African/African-American, 77%; 32,486 homozygotes.

Submissions (3):

Illumina Laboratory Services, Illumina
Classification: Benign for Alopecia universalis congenita. Last evaluated: 2018-01-13. Review status: criteria provided, single submitter. Criteria: ICSL Variant Classification Criteria 13 December 2019. Collection method: clinical testing. Allele origin: germline.
Comment: This variant was observed in the ICSL laboratory as part of a predisposition screen in an ostensibly healthy population. It had not been previously curated by ICSL or reported in the Human Gene Mutation Database (HGMD: prior to June 1st, 2018), and was therefore a candidate for classification through an automated scoring system. Utilizing variant allele frequency, disease prevalence and penetrance estimates, and inheritance mode, an automated score was calculated to assess if this variant is too frequent to cause the disease. Based on the score and internal cut-off values, a variant classified as benign is not then subjected to further curation. The score for this variant resulted in a classification of benign for this disease.

Illumina Laboratory Services, Illumina
Classification: Benign for Atrichia with papular lesions. Last evaluated: 2018-01-13. Review status: criteria provided, single submitter. Criteria: ICSL Variant Classification Criteria 13 December 2019. Collection method: clinical testing. Allele origin: germline.
Comment: the same text as in the submission from Illumina Laboratory Services, Illumina above.

Breakthrough Genomics
Classification: Benign. Review status: criteria provided, single submitter. Criteria: ACMG Guidelines, 2015. Collection method: not provided. Allele origin: germline. Inheritance: Autosomal recessive inheritance. Affected: yes.